The following is an entry in ClinVar:

ClinVar aggregate classification (germline): Pathogenic (1 of 4 stars; one submission).

Conditions:
Familial cancer of breast. Also called: hereditary breast carcinoma; BREAST CANCER, FAMILIAL; Hereditary breast cancer. Identifiers: Orphanet 227535, MedGen C0346153, MONDO:0016419, OMIM 114480. Disease mechanism: loss of function.

Submission:

Myriad Genetics, Inc.
Classification: Pathogenic for Familial cancer of breast. Last evaluated: 2024-01-31. Review status: criteria provided, single submitter. Criteria: Myriad Autosomal Dominant, Autosomal Recessive and X-Linked Classification Criteria (2023). Collection method: clinical testing. Allele origin: unknown.
Comment: This variant is considered pathogenic. This variant creates a frameshift predicted to result in premature protein truncation.

NM_000051.4(ATM):c.7626del (p.Asn2542fs)

Genes: ATM (ATM serine/threonine kinase; plus strand), C11orf65 (chromosome 11 open reading frame 65; minus strand). Cytogenetic location: 11q22.3.
Variant type: Deletion.
Coding change: c.7626del on transcript NM_000051.4 (MANE Select); coding-DNA position 7626, one base deleted (T; older notation c.7626delT).
Protein change: p.Asn2542fs; shifts the reading frame from asparagine 2542.
Molecular consequence: frameshift variant. On other transcripts: non-coding transcript variant (1), intron variant (2).
Genome position (GRCh38, 1-based): chr11:108,331,554, T deleted. VCF-style (leftmost placement, unchanged base first): chr11-108331553-AT-A. GRCh37 (hg19) VCF-style: chr11-108202280-AT-A.
Other names: c.7626del, p.Asn2542fs (NM_001351834.2); c.641-22483del (NM_001330368.2); c.*38+3666del (NM_001351110.2); short protein forms N2542fs.
Identifiers: ClinVar variation 3148430 (VCV003148430.1), dbSNP rs2547275742, ClinGen allele CA2825001961.